The following is an entry in ClinVar:

NM_004370.6(COL12A1):c.8332C>G (p.Pro2778Ala)

Gene: COL12A1 (collagen type XII alpha 1 chain; minus strand). Cytogenetic location: 6q13.
Variant type: single nucleotide variant.
Coding change: c.8332C>G on transcript NM_004370.6 (MANE Select); coding-DNA position 8332, C replaced by G.
Protein change: p.Pro2778Ala; replaces proline 2778 with alanine.
Molecular consequence: missense variant.
Genome position (GRCh38, 1-based): chr6:75,102,680, G>C on the plus strand (C>G on the coding strand, the complement: COL12A1 is on the minus strand). VCF-style: chr6-75102680-G-C. GRCh37 (hg19) VCF-style: chr6-75812396-G-C.
Other names: c.8332C>G, p.Pro2778Ala (NM_001424113.1); c.8311C>G, p.Pro2771Ala (NM_001424114.1); c.8059C>G, p.Pro2687Ala (NM_001424115.1); c.4840C>G, p.Pro1614Ala (NM_001424116.1, NM_080645.3); short protein forms P2778A, P2687A, P2771A, P1614A.
Identifiers: ClinVar variation 4782755 (VCV004782755.1).

ClinVar aggregate classification (germline): Uncertain significance (1 of 4 stars; one submission).

Conditions:
Ullrich congenital muscular dystrophy 2 (UCMD2). Identifiers: Orphanet 75840, MedGen C4225314, MONDO:0014654, OMIM 616470.
Bethlem myopathy 2 (BTHLM2). Identifiers: Orphanet 536516, Orphanet 610, MedGen C4225313, MONDO:0034022, OMIM 616471.

gnomAD v4.1: 2 of 1,551,848 alleles (0.00013%); highest among the groups gnomAD compares: Non-Finnish European, 0.000087%; no homozygotes.

Submission:

Labcorp Genetics (formerly Invitae), Labcorp
Classification: Uncertain significance for Bethlem myopathy 2; Ullrich congenital muscular dystrophy 2. Last evaluated: 2025-12-03. Review status: criteria provided, single submitter. Criteria: Invitae Variant Classification Sherloc (09022015). Collection method: clinical testing. Allele origin: germline.
Comment: This sequence change replaces proline, which is neutral and non-polar, with alanine, which is neutral and non-polar, at codon 2778 of the COL12A1 protein (p.Pro2778Ala). This variant is not present in population databases (gnomAD no frequency). This variant has not been reported in the literature in individuals affected with COL12A1-related conditions. Invitae Evidence Modeling of protein sequence and biophysical properties (such as structural, functional, and spatial information, amino acid conservation, physicochemical variation, residue mobility, and thermodynamic stability) indicates that this missense variant is not expected to disrupt COL12A1 protein function with a negative predictive value of 80%. In summary, the available evidence is currently insufficient to determine the role of this variant in disease. Therefore, it has been classified as a Variant of Uncertain Significance.